The following is an entry in ClinVar:

ClinVar aggregate classification (germline): Conflicting classifications of pathogenicity. Review status: criteria provided, conflicting classifications (1 of 4 stars). 6 submissions from 6 submitters: Uncertain significance (2); Likely benign (3). 1 of the submissions does not count toward it. Last evaluated 2026-05-01.

Conditions:
Weaver syndrome (WVS). Also called: Weaver Smith syndrome; Overgrowth syndrome with accelerated skeletal maturation, unusual facies, and camptodactyly. Identifiers: Orphanet 3447, MedGen C0265210, MONDO:0010193, OMIM 277590.

Allele frequency attached by ClinVar (database versions not stated): 1000 Genomes Project 30x 0.00016; 1000 Genomes Project 0.00020; gnomAD exomes 0.00025 and 0.00028; TOPMed 0.00028; ExAC 0.00030; ESP Exome Variant Server 0.00031; gnomAD 0.00032.
gnomAD v4.1: 451 of 1,614,152 alleles (0.028%); highest among the groups gnomAD compares: Non-Finnish European, 0.035%; no homozygotes.

Submissions (6):

CeGaT Center for Human Genetics Tuebingen
Classification: Uncertain significance. Last evaluated: 2026-05-01. Review status: criteria provided, single submitter. Criteria: CeGaT Center For Human Genetics Tuebingen Variant Classification Criteria Version 2. Collection method: clinical testing. Allele origin: germline. Affected: yes. Observed: 1 variant allele.
Comment: EZH2: PP2, BP4

Labcorp Genetics (formerly Invitae), Labcorp
Classification: Likely benign for Weaver syndrome. Last evaluated: 2026-01-01. Review status: criteria provided, single submitter. Criteria: Invitae Variant Classification Sherloc (09022015). Collection method: clinical testing. Allele origin: germline.

Laboratory of Genetics, Children's Clinical University Hospital Latvia
Classification: Likely benign. Last evaluated: 2025-02-16. Review status: criteria provided, single submitter. Criteria: ACMG Guidelines, 2015. Collection method: clinical testing. Allele origin: germline. Affected: yes.

Blueprint Genetics
Classification: Likely benign. Last evaluated: 2024-10-16. Review status: criteria provided, single submitter. Criteria: ACMG Guidelines, 2015. Collection method: clinical testing. Allele origin: germline.

Fulgent Genetics
Classification: Uncertain significance for Weaver syndrome. Last evaluated: 2018-10-31. Review status: criteria provided, single submitter. Criteria: ACMG Guidelines, 2015. Collection method: clinical testing. Allele origin: unknown.

ITMI
No classification provided. Condition: AllHighlyPenetrant. Last evaluated: 2013-09-19. Review status: no classification provided. Collection method: reference population. Allele origin: germline. Not counted in ClinVar's aggregate classification.
Comment: Please see associated publication for description of ethnicities

Literature cited by the submitters: PubMed 24728327 (cited by ITMI).

NM_004456.5(EZH2):c.965A>G (p.Asn322Ser)

Gene: EZH2 (enhancer of zeste 2 polycomb repressive complex 2 subunit; minus strand). Cytogenetic location: 7q36.1.
Variant type: single nucleotide variant.
Coding change: c.965A>G on transcript NM_004456.5 (MANE Select); coding-DNA position 965, A replaced by G.
Protein change: p.Asn322Ser; replaces asparagine 322 with serine.
Molecular consequence: missense variant.
Genome position (GRCh38, 1-based): chr7:148,819,630, T>C on the plus strand (A>G on the coding strand, the complement: EZH2 is on the minus strand). VCF-style: chr7-148819630-T-C. GRCh37 (hg19) VCF-style: chr7-148516722-T-C.
Other names: c.950A>G, p.Asn317Ser (NM_001203247.2); c.923A>G, p.Asn308Ser (NM_001203248.2, NM_001203249.2); c.833A>G, p.Asn278Ser (NM_152998.3); short protein forms N322S, N317S, N278S, N308S.
Identifiers: ClinVar variation 134226 (VCV000134226.18), dbSNP rs151023145, ClinGen allele CA159201.